The following is an entry in ClinVar:

ClinVar aggregate classification (germline): Benign/Likely benign. Review status: criteria provided, multiple submitters, no conflicts (2 of 4 stars). 2 submissions from 2 submitters: Benign (1); Likely benign (1). Last evaluated 2025-11-03.

Allele frequency attached by ClinVar (database versions not stated): gnomAD exomes 0.00002 and 0.00008; ExAC 0.00007.
gnomAD v4.1: 48 of 1,609,274 alleles (0.003%); highest among the groups gnomAD compares: Middle Eastern, 0.033%; 1 homozygote.

Submissions (2):

Labcorp Genetics (formerly Invitae), Labcorp
Classification: Benign. Last evaluated: 2025-11-03. Review status: criteria provided, single submitter. Criteria: Invitae Variant Classification Sherloc (09022015). Collection method: clinical testing. Allele origin: germline.

CeGaT Center for Human Genetics Tuebingen
Classification: Likely benign. Last evaluated: 2024-11-01. Review status: criteria provided, single submitter. Criteria: CeGaT Center For Human Genetics Tuebingen Variant Classification Criteria Version 2. Collection method: clinical testing. Allele origin: germline. Affected: yes. Observed: 2 variant alleles.
Comment: PACS2: BP4

NM_001100913.3(PACS2):c.2435C>T (p.Thr812Met)

Gene: PACS2 (phosphofurin acidic cluster sorting protein 2; plus strand). Cytogenetic location: 14q32.33.
Variant type: single nucleotide variant.
Coding change: c.2435C>T on transcript NM_001100913.3 (MANE Select); coding-DNA position 2435, C replaced by T.
Protein change: p.Thr812Met; replaces threonine 812 with methionine.
Molecular consequence: missense variant.
Genome position (GRCh38, 1-based): chr14:105,392,798, C>T. VCF-style: chr14-105392798-C-T. GRCh37 (hg19) VCF-style: chr14-105859135-C-T.
Other names: c.2165C>T, p.Thr722Met (NM_001243127.3); c.2390C>T, p.Thr797Met (NM_015197.4); short protein forms T722M, T797M, T812M.
Identifiers: ClinVar variation 1600202 (VCV001600202.32), dbSNP rs782208120, ClinGen allele CA7389266.
Genomic context (GRCh38, chr14:105,392,798, plus strand): 5'-AGTGCACTTTCCGGTCCCTCCAGGTCAGCAGGCTGCCCAGCAGCGGCGAGGCTGCAGCCA[C>T]GCCCACCATGTCCATGACCGTGGTCACCAAGGAGAAGAACAAGAAGGGTGAGGTGGGGCA-3'
Protein context (NP_001094383.2, residues 802-822): RLPSSGEAAA[Thr812Met]PTMSMTVVTK